The following is an entry in ClinVar:

ClinVar aggregate classification (germline): Likely benign (0 of 4 stars; one submission).

Conditions:
ISL1-related disorder. Also called: ISL1-related condition.

Submission:

PreventionGenetics, part of Exact Sciences
Classification: Likely benign for ISL1-related condition. Last evaluated: 2024-08-08. Review status: no assertion criteria provided. Collection method: clinical testing. Allele origin: germline.
Comment: This variant is classified as likely benign based on ACMG/AMP sequence variant interpretation guidelines (Richards et al. 2015 PMID: 25741868, with internal and published modifications).

NM_002202.3(ISL1):c.282T>C (p.Arg94=)

Gene: ISL1 (ISL LIM homeobox 1; plus strand). Cytogenetic location: 5q11.1.
Variant type: single nucleotide variant.
Coding change: c.282T>C on transcript NM_002202.3 (MANE Select); coding-DNA position 282, T replaced by C.
Protein change: p.Arg94=; no amino-acid change (arginine 94 retained).
Molecular consequence: synonymous variant.
Genome position (GRCh38, 1-based): chr5:51,387,553, T>C. VCF-style: chr5-51387553-T-C. GRCh37 (hg19) VCF-style: chr5-50683387-T-C.
Identifiers: ClinVar variation 3357488 (VCV003357488.1).